The following is an entry in ClinVar:

NM_003002.4(SDHD):c.34G>A (p.Gly12Ser)

Genes: SDHD (succinate dehydrogenase complex subunit D; plus strand), LOC126861339 (BRD4-independent group 4 enhancer GRCh37_chr11:111957035-111958234; plus strand). Cytogenetic location: 11q23.1.
Variant type: single nucleotide variant.
Coding change: c.34G>A on transcript NM_003002.4 (MANE Select); coding-DNA position 34, G replaced by A.
Protein change: p.Gly12Ser; replaces glycine 12 with serine.
Molecular consequence: missense variant. On other transcripts: non-coding transcript variant (1).
Genome position (GRCh38, 1-based): chr11:112,086,941, G>A. VCF-style: chr11-112086941-G-A. GRCh37 (hg19) VCF-style: chr11-111957665-G-A.
Other names: SDHD, GLY12SER (rs34677591); c.34G>A, p.Gly12Ser (NM_001276503.2, NM_001276504.2, NM_001276506.2); short protein forms G12S.
Identifiers: ClinVar variation 6895 (VCV000006895.100), dbSNP rs34677591, ClinGen allele CA016980.

ClinVar aggregate classification (germline): Conflicting classifications of pathogenicity. Review status: criteria provided, conflicting classifications (1 of 4 stars). 32 submissions from 30 submitters: Uncertain significance (1); Benign (21); Likely benign (4). 6 of the submissions do not count toward it. Last evaluated 2026-10-01.

Conditions:
Mitochondrial complex 2 deficiency, nuclear type 3. Also called: MITOCHONDRIAL COMPLEX II DEFICIENCY, NUCLEAR TYPE 3. Identifiers: MedGen C5436934, MONDO:0030937, OMIM 619167.
Pheochromocytoma/paraganglioma syndrome 1. Also called: SDHD-Related Hereditary Paraganglioma-Pheochromocytoma Syndrome; PARAGANGLIOMAS, FAMILIAL NONCHROMAFFIN, 1; PGL 1; Paragangliomas familial 1; PARAGANGLIOMATA; Glomus tumors familial 1. Identifiers: Orphanet 29072, MedGen C3494181, MONDO:0008192, OMIM 168000.
Carney-Stratakis syndrome. Also called: PARAGANGLIOMA AND GASTROINTESTINAL STROMAL TUMOR. Identifiers: Orphanet 97286, MedGen C1847319, MONDO:0011740, OMIM 606864.
Paragangliomas with sensorineural hearing loss. Identifiers: MedGen C1868633.
Cowden syndrome 3 (CWS3). Identifiers: Orphanet 201, MedGen CN166604, MONDO:0014045.
Pheochromocytoma. Also called: MAX-Related Hereditary Paraganglioma-Pheochromocytoma Syndrome. Identifiers: Orphanet 29072, MedGen C0031511, MONDO:0008233, OMIM 171300, HP:0002666.
Hereditary cancer-predisposing syndrome. Also called: Hereditary neoplastic syndrome; Hereditary Cancer Syndrome; Neoplastic Syndromes, Hereditary; Tumor predisposition. Identifiers: Orphanet 140162, MedGen C0027672, MeSH D009386, MONDO:0015356.
Hereditary pheochromocytoma and paraganglioma. Also called: Hereditary pheochromocytoma-paraganglioma; Hereditary paragangliomas and pheochromocytomas; Hereditary Paraganglioma-Pheochromocytoma Syndromes. Identifiers: Orphanet 29072, MedGen C4274332, MONDO:0017366.

Allele frequency attached by ClinVar (database versions not stated): 1000 Genomes Project 30x 0.00547; gnomAD exomes 0.00749 and 0.00853; 1000 Genomes Project 0.00499; gnomAD 0.00704 and 0.00706; ExAC 0.00727; TOPMed 0.00804.
gnomAD v4.1: 13,555 of 1,614,148 alleles (0.84%); highest among the groups gnomAD compares: Middle Eastern, 2.3%; 73 homozygotes.

Submissions 1 to 20 of 32:

CeGaT Center for Human Genetics Tuebingen
Classification: Benign. Last evaluated: 2026-10-01. Review status: criteria provided, single submitter. Criteria: CeGaT Center For Human Genetics Tuebingen Variant Classification Criteria Version 2. Collection method: clinical testing. Allele origin: germline. Affected: yes. Observed: 209 variant alleles.
Comment: SDHD: BP4, BS1, BS2

Labcorp Genetics (formerly Invitae), Labcorp
Classification: Benign for Carney-Stratakis syndrome; Paragangliomas with sensorineural hearing loss; Pheochromocytoma; Cowden syndrome 3. Last evaluated: 2026-02-04. Review status: criteria provided, single submitter. Criteria: Invitae Variant Classification Sherloc (09022015). Collection method: clinical testing. Allele origin: germline.

Laboratorio de I+D, Fundación Centro Médico de Asturias
Classification: Benign for Hereditary cancer-predisposing syndrome. Last evaluated: 2025-07-14. Review status: criteria provided, single submitter. Criteria: ACMG Guidelines, 2015. Collection method: clinical testing. Allele origin: germline.
Comment: BS1+BS2+BP4_Moderate+BP3

Quest Diagnostics Nichols Institute San Juan Capistrano
Classification: Benign. Last evaluated: 2025-07-08. Review status: criteria provided, single submitter. Criteria: Quest Diagnostics criteria. Collection method: clinical testing. Allele origin: unknown.

Myriad Genetics, Inc.
Classification: Likely benign for Pheochromocytoma/paraganglioma syndrome 1. Last evaluated: 2025-03-17. Review status: criteria provided, single submitter. Criteria: Myriad Autosomal Dominant, Autosomal Recessive and X-Linked Classification Criteria (2023). Collection method: clinical testing. Allele origin: unknown.
Comment: This variant is considered likely benign. This variant has been observed at a population frequency that is significantly greater than expected given the associated disease prevalence and penetrance.

Center for Genomic Medicine, Rigshospitalet, Copenhagen University Hospital
Classification: Benign. Last evaluated: 2025-03-04. Review status: criteria provided, single submitter. Criteria: ACMG Guidelines, 2015. Collection method: clinical testing. Allele origin: germline.

Blueprint Genetics
Classification: Likely benign. Last evaluated: 2024-11-27. Review status: criteria provided, single submitter. Criteria: ACMG Guidelines, 2015. Collection method: clinical testing. Allele origin: germline.

ARUP Laboratories, Molecular Genetics and Genomics, ARUP Laboratories
Classification: Benign. Last evaluated: 2023-10-14. Review status: criteria provided, single submitter. Criteria: ARUP Molecular Germline Variant Investigation Process 2024. Collection method: clinical testing. Allele origin: germline.

Mayo Clinic Laboratories, Mayo Clinic
Classification: Benign. Last evaluated: 2022-09-23. Review status: criteria provided, single submitter. Criteria: ACMG Guidelines, 2015. Collection method: clinical testing. Allele origin: germline. Observed: 14 variant alleles.
Comment: BS1

Color Diagnostics, LLC DBA Color Health
Classification: Benign for Hereditary pheochromocytoma and paraganglioma. Last evaluated: 2022-06-09. Review status: criteria provided, single submitter. Criteria: ACMG Guidelines, 2015. Collection method: clinical testing. Allele origin: germline.

Genetic Services Laboratory, University of Chicago
Classification: Benign. Last evaluated: 2021-11-08. Review status: criteria provided, single submitter. Criteria: ACMG Guidelines, 2015. Collection method: clinical testing. Allele origin: germline. Affected: no.

Institute for Clinical Genetics, University Hospital TU Dresden, University Hospital TU Dresden
Classification: Likely benign. Last evaluated: 2021-11-03. Review status: criteria provided, single submitter. Criteria: ACMG Guidelines, 2015. Collection method: clinical testing. Allele origin: germline.

Genome-Nilou Lab
Classification: Benign for Mitochondrial complex 2 deficiency, nuclear type 3. Last evaluated: 2021-07-15. Review status: criteria provided, single submitter. Criteria: ACMG Guidelines, 2015. Collection method: clinical testing. Allele origin: germline. Affected: no.

Genome-Nilou Lab
Classification: Benign for Pheochromocytoma/paraganglioma syndrome 1. Last evaluated: 2021-07-15. Review status: criteria provided, single submitter. Criteria: ACMG Guidelines, 2015. Collection method: clinical testing. Allele origin: germline. Affected: no.

Genome-Nilou Lab
Classification: Benign for Pheochromocytoma. Last evaluated: 2021-07-15. Review status: criteria provided, single submitter. Criteria: ACMG Guidelines, 2015. Collection method: clinical testing. Allele origin: germline. Affected: no.

Department of Pathology and Laboratory Medicine, Sinai Health System
Classification: Benign for Pheochromocytoma/paraganglioma syndrome 1; Carney-Stratakis syndrome; Mitochondrial complex 2 deficiency, nuclear type 3. Last evaluated: 2021-06-25. Review status: criteria provided, single submitter. Criteria: ACMG Guidelines, 2015. Collection method: clinical testing. Allele origin: germline. Affected: yes.

Sema4
Classification: Benign for Hereditary cancer-predisposing syndrome. Last evaluated: 2020-08-21. Review status: criteria provided, single submitter. Criteria: Sema4 Curation Guidelines. Collection method: curation. Allele origin: germline.

Broad Center for Mendelian Genomics, Broad Institute of MIT and Harvard
Classification: Uncertain significance. Last evaluated: 2020-01-22. Review status: criteria provided, single submitter. Criteria: ACMG Guidelines, 2015. Collection method: curation. Allele origin: germline.
Comment: The p.Gly12Ser variant in SDHD has been reported in at least 18 individuals with Cowden or Cowden-like Syndrome (PMID: 21979946, 18678321), 8 individuals with pheochromocytoma or paraganglioma (PMID: 11156372, 11526495, 12111639, 12386824, 15032977, 23666964), in tumors from 2 individuals (PMID: 12007193), in other cohorts with other phenotypes (PMID: 24728327, 22703879), and has been identified in 1.019% (1316/129110) of European (non-Finnish) chromosomes, including 8 homozygotes, 1.013% (105/10370) of Ashkenazi Jewish chromosomes, including 1 homozygote, and 0.9173% (325/5430) of Latino chromosomes, including 3 homozygotes, by the Genome Aggregation Database (gnomAD; dbSNP rs34677591). This variant has also been reported in ClinVar as a VUS, likely benign, and benign variant (Variation ID: 6895). Please note that for diseases with clinical variability, or reduced penetrance, pathogenic variants may be present at a low frequency in the general population and pathogenic variants in this gene have incomplete penetrance (PMID: 29386252). In vitro functional studies provide some evidence that the p.Gly12Ser variant may impact growth pathways and apoptosis (PMID: 18678321, 21979946, 25149476). However, these types of assays may not accurately represent biological function and a yeast model did not match a cancer-related phenotype (PMID: 23175444). Computational prediction tools and conservation analyses do not provide strong support for or against an impact to the protein. The Glycine (Gly) at position 12 is not highly conserved in mammals and evolutionary distant species, and 5 species (Chinese tree shrew, prairie vole, chinese hamster, mouse, rat) carry a Serine (Ser), supporting that this change at this position may be tolerated. One additional variant, resulting in a different amino acid change at the same position, p.Gly12Asp, has been reported as a VUS in association with disease in ClinVar (Variation ID: 465235). In summary, the clinical significance of the p.Gly12Ser variant is uncertain. ACMG/AMP Criteria applied: BS1, PS4, PS3_Moderate (Richards 2015).

Mendelics
Classification: Likely benign for Carney-Stratakis syndrome. Last evaluated: 2019-05-28. Review status: criteria provided, single submitter. Criteria: Mendelics Assertion Criteria 2017. Collection method: clinical testing. Allele origin: unknown.

GeneDx
Classification: Benign. Last evaluated: 2017-11-03. Review status: criteria provided, single submitter. Criteria: GeneDx Variant Classification (06012015). Collection method: clinical testing. Allele origin: germline. Affected: yes.
Comment: This variant is considered likely benign or benign based on one or more of the following criteria: it is a conservative change, it occurs at a poorly conserved position in the protein, it is predicted to be benign by multiple in silico algorithms, and/or has population frequency not consistent with disease.